The following is an entry in ClinVar:

NM_000043.6(FAS):c.748C>T (p.Arg250Ter)

Gene: FAS (Fas cell surface death receptor; plus strand). Cytogenetic location: 10q23.31.
Variant type: single nucleotide variant.
Coding change: c.748C>T on transcript NM_000043.6 (MANE Select); coding-DNA position 748, C replaced by T.
Protein change: p.Arg250Ter; replaces arginine 250 with a stop codon.
Molecular consequence: nonsense. On other transcripts: 3 prime UTR variant (2), non-coding transcript variant (7).
Genome position (GRCh38, 1-based): chr10:89,014,190, C>T. VCF-style: chr10-89014190-C-T. GRCh37 (hg19) VCF-style: chr10-90773947-C-T.
Other names: c.*71C>T (NM_001320619.2); c.685C>T, p.Arg229Ter (NM_152871.4); c.*60C>T (NM_152872.4); short protein forms R250*, R229*.
Identifiers: ClinVar variation 802620 (VCV000802620.44), dbSNP rs778993919, ClinGen allele CA377509710.

ClinVar aggregate classification (germline): Pathogenic/Likely pathogenic. Review status: criteria provided, multiple submitters, no conflicts (2 of 4 stars). 8 submissions from 8 submitters: Pathogenic (5); Likely pathogenic (3). Last evaluated 2025-07-31.

Conditions:
Autoimmune lymphoproliferative syndrome type 1. Also called: AUTOIMMUNE LYMPHOPROLIFERATIVE SYNDROME, TYPE I, AUTOSOMAL DOMINANT. Identifiers: Orphanet 3261, MedGen C2717884, MONDO:0011158, OMIM 601859.
Inherited Immunodeficiency Diseases. Identifiers: MedGen C5197805, MeSH D000081207.

Submissions (8):

Labcorp Genetics (formerly Invitae), Labcorp
Classification: Pathogenic for Autoimmune lymphoproliferative syndrome. Last evaluated: 2025-07-31. Review status: criteria provided, single submitter. Criteria: Invitae Variant Classification Sherloc (09022015). Collection method: clinical testing. Allele origin: germline.
Comment: This sequence change creates a premature translational stop signal (p.Arg250*) in the FAS gene. While this is not anticipated to result in nonsense mediated decay, it is expected to disrupt the last 86 amino acid(s) of the FAS protein. This variant is not present in population databases (gnomAD no frequency). This premature translational stop signal has been observed in individual(s) with autoimmune lymphoproliferative syndrome and/or clinical features of FAS-related conditions (PMID: 18948840, 21490157, 32499645). This variant is also known as p.R348X. ClinVar contains an entry for this variant (Variation ID: 802620). For these reasons, this variant has been classified as Pathogenic.

GeneDx
Classification: Pathogenic. Last evaluated: 2025-06-03. Review status: criteria provided, single submitter. Criteria: GeneDx Variant Classification Process June 2021. Collection method: clinical testing. Allele origin: germline. Affected: yes.
Comment: Published functional studies demonstrate a damaging effect, as in vitro functional studies of cells harboring p.R205X exhibit impaired apoptosis (PMID: 21490157, 18948840); Identified in patients with autoimmune lymphoproliferative syndrome in published literature (PMID: 18948840); Nonsense variant predicted to result in protein truncation, as the last 86 amino acid are lost, and other loss-of-function variants have been reported downstream in HGMD; Not observed at significant frequency in large population cohorts (gnomAD); Also known as R234X using alternate nomenclature; This variant is associated with the following publications: (PMID: 30940614, 8929361, 18948840, 32499645, 35753512, 39060684, 21490157)

Institute of Human Genetics, University of Leipzig Medical Center
Classification: Likely pathogenic for Autoimmune lymphoproliferative syndrome type 1. Last evaluated: 2024-12-30. Review status: criteria provided, single submitter. Criteria: ACMG Guidelines, 2015. Collection method: clinical testing. Allele origin: unknown. Inheritance: Autosomal dominant inheritance. Affected: yes.
Comment: Criteria applied: PVS1_STR,PS4,PM2_SUP

Genomics Facility, Ludwig-Maximilians-Universität München
Classification: Likely pathogenic for Autoimmune lymphoproliferative syndrome type 1. Last evaluated: 2022-01-11. Review status: criteria provided, single submitter. Criteria: ACMG Guidelines, 2015. Collection method: clinical testing. Allele origin: unknown. Inheritance: Autosomal dominant inheritance. Affected: yes.

Laboratorio de Genetica e Diagnostico Molecular, Hospital Israelita Albert Einstein
Classification: Likely pathogenic. Last evaluated: 2020-11-12. Review status: criteria provided, single submitter. Criteria: ACMG Guidelines, 2015. Collection method: clinical testing. Allele origin: germline. Affected: yes.
Comment: ACMG classification criteria: PVS1, PS3, PS4, PM2

CeGaT Center for Human Genetics Tuebingen
Classification: Pathogenic. Last evaluated: 2020-03-01. Review status: criteria provided, single submitter. Criteria: CeGaT Center For Human Genetics Tuebingen Variant Classification Criteria Version 2. Collection method: clinical testing. Allele origin: germline. Affected: yes. Observed: 1 variant allele.

Mendelics
Classification: Pathogenic for Autoimmune lymphoproliferative syndrome type 1. Last evaluated: 2019-05-28. Review status: criteria provided, single submitter. Criteria: Mendelics Assertion Criteria 2017. Collection method: clinical testing. Allele origin: unknown.

NIHR Bioresource Rare Diseases, University of Cambridge
Classification: Pathogenic for Inherited Immunodeficiency Diseases. Last evaluated: 2019-01-01. Review status: criteria provided, single submitter. Criteria: ACMG Guidelines, 2015. Collection method: research. Allele origin: germline. Affected: yes. Observed: 1 heterozygote.

Literature cited by the submitters: PubMed 18948840 (cited by Labcorp Genetics (formerly Invitae), Labcorp); PubMed 21490157 (cited by Labcorp Genetics (formerly Invitae), Labcorp); PubMed 32499645 (cited by Labcorp Genetics (formerly Invitae), Labcorp); PubMed 27789675 (cited by Genomics Facility, Ludwig-Maximilians-Universität München).